The following is an entry in ClinVar:

NM_020964.3(EPG5):c.2981C>T (p.Ser994Phe)

Gene: EPG5 (ectopic P-granules 5 autophagy tethering factor; minus strand). Cytogenetic location: 18q21.1.
Variant type: single nucleotide variant.
Coding change: c.2981C>T on transcript NM_020964.3 (MANE Select); coding-DNA position 2981, C replaced by T.
Protein change: p.Ser994Phe; replaces serine 994 with phenylalanine.
Molecular consequence: missense variant.
Genome position (GRCh38, 1-based): chr18:45,922,458, G>A on the plus strand (C>T on the coding strand, the complement: EPG5 is on the minus strand). VCF-style: chr18-45922458-G-A. GRCh37 (hg19) VCF-style: chr18-43502424-G-A.
Other names: short protein forms S994F.
Identifiers: ClinVar variation 992536 (VCV000992536.3), dbSNP rs2050179430, ClinGen allele CA402344216.
Genomic context (GRCh38, chr18:45,922,458, plus strand): 5'-TTCACAGCCTTCAAGAGAGGATGAAACGTGGGTGACTCTGTCATGTCAGGCACAGTGACG[G>A]AGAAGGGAACAGCTGGACAATTCGGCTGTATTCCATAATCGTTTTTGTGCAGTTTTAGCC-3'
Protein context (NP_066015.2, residues 984-1004): IQPNCPAVPF[Ser994Phe]VTVPDMTESP

ClinVar aggregate classification (germline): Uncertain significance (1 of 4 stars; one submission).

Conditions:
Vici syndrome (VICIS). Identifiers: Orphanet 1493, MedGen C1855772, MONDO:0009452, OMIM 242840.

gnomAD v4.1: 1 of 1,614,258 alleles (0.000062%); highest among the groups gnomAD compares: East Asian, 0.0022%; no homozygotes.

Submission:

Center for Genomics, Ann and Robert H. Lurie Children's Hospital of Chicago
Classification: Uncertain significance for Vici syndrome. Last evaluated: 2021-03-30. Review status: criteria provided, single submitter. Criteria: ACMG Guidelines, 2015. Collection method: clinical testing. Allele origin: germline.
Comment: EPG5 NM_020964.2 exon 16 p.Ser994Phe (c.2981C>T): This variant has not been reported in the literature and is not present in large control databases. This variant amino acid Phenylalanine (Phe) is present in 12 species and is not well conserved among evolutionarily distant species; this suggests that this variant may not impact the protein. Additional computational prediction tools do not suggest an impact. In summary, data on this variant is insufficient for disease classification. Therefore, the clinical significance of this variant is uncertain.